The following is an entry in ClinVar:

ClinVar aggregate classification (germline): Uncertain significance (1 of 4 stars; one submission).

Submission:

Ambry Genetics
Classification: Uncertain significance. Last evaluated: 2024-03-19. Review status: criteria provided, single submitter. Criteria: Ambry Variant Classification Scheme 2023. Collection method: clinical testing. Allele origin: germline.
Comment: The p.L1721V variant (also known as c.5161T>G), located in coding exon 16 of the POLQ gene, results from a T to G substitution at nucleotide position 5161. The leucine at codon 1721 is replaced by valine, an amino acid with highly similar properties. This amino acid position is conserved. In addition, this alteration is predicted to be tolerated by in silico analysis. Based on the available evidence, the clinical significance of this alteration remains unclear.

NM_199420.4(POLQ):c.5161T>G (p.Leu1721Val)

Gene: POLQ (DNA polymerase theta; minus strand). Cytogenetic location: 3q13.33.
Variant type: single nucleotide variant.
Coding change: c.5161T>G on transcript NM_199420.4 (MANE Select); coding-DNA position 5161, T replaced by G.
Protein change: p.Leu1721Val; replaces leucine 1721 with valine.
Molecular consequence: missense variant.
Genome position (GRCh38, 1-based): chr3:121,487,770, A>C on the plus strand (T>G on the coding strand, the complement: POLQ is on the minus strand). VCF-style: chr3-121487770-A-C. GRCh37 (hg19) VCF-style: chr3-121206617-A-C.
Other names: short protein forms L1721V.
Identifiers: ClinVar variation 3308593 (VCV003308593.1).